The following is an entry in ClinVar:

NM_206933.4(USH2A):c.2723T>C (p.Leu908Ser)

Genes: USH2A (usherin; minus strand), LOC122152296 (Sharpr-MPRA regulatory region 8762; plus strand). Cytogenetic location: 1q41.
Variant type: single nucleotide variant.
Coding change: c.2723T>C on transcript NM_206933.4 (MANE Select); coding-DNA position 2723, T replaced by C.
Protein change: p.Leu908Ser; replaces leucine 908 with serine.
Molecular consequence: missense variant.
Genome position (GRCh38, 1-based): chr1:216,246,671, A>G on the plus strand (T>C on the coding strand, the complement: USH2A is on the minus strand). VCF-style: chr1-216246671-A-G. GRCh37 (hg19) VCF-style: chr1-216420013-A-G.
Other names: c.2723T>C, p.Leu908Ser (NM_007123.6); short protein forms L908S.
Identifiers: ClinVar variation 1976221 (VCV001976221.7), dbSNP rs2528161429, ClinGen allele CA344864172.

ClinVar aggregate classification (germline): Uncertain significance. Review status: criteria provided, multiple submitters, no conflicts (2 of 4 stars). 3 submissions from 3 submitters: Uncertain significance (3). Last evaluated 2025-12-12.

Conditions:
USH2A-related disorder. Also called: USH2A-related disorders; USH2A-related condition. Identifiers: MedGen CN239332.

Allele frequency attached by ClinVar (database versions not stated): gnomAD exomes 0.00001.
gnomAD v4.1: 6 of 1,614,138 alleles (0.00037%); highest among the groups gnomAD compares: Non-Finnish European, 0.00051%; no homozygotes.

Submissions (3):

Myriad Genetics, Inc.
Classification: Uncertain significance for USH2A-related disorder. Last evaluated: 2025-12-12. Review status: criteria provided, single submitter. Criteria: Myriad Autosomal Dominant, Autosomal Recessive and X-Linked Classification Criteria (2023). Collection method: clinical testing. Allele origin: unknown.
Comment: NM_206933.2(USH2A):c.2723T>C(L908S) is a missense variant classified as a variant of uncertain significance in the context of USH2A-related disorders. L908S has been observed in a case with relevant disease (PMID: 37217489). Relevant functional assessments of this variant are not available in the literature. L908S has not been observed in referenced population frequency databases. In summary, there is insufficient evidence to classify NM_206933.2(USH2A):c.2723T>C(L908S) as pathogenic or benign. Please note: this variant was assessed in the context of healthy population screening.

Labcorp Genetics (formerly Invitae), Labcorp
Classification: Uncertain significance. Last evaluated: 2022-05-18. Review status: criteria provided, single submitter. Criteria: Invitae Variant Classification Sherloc (09022015). Collection method: clinical testing. Allele origin: germline.
Comment: This sequence change replaces leucine, which is neutral and non-polar, with serine, which is neutral and polar, at codon 908 of the USH2A protein (p.Leu908Ser). In summary, the available evidence is currently insufficient to determine the role of this variant in disease. Therefore, it has been classified as a Variant of Uncertain Significance. Algorithms developed to predict the effect of missense changes on protein structure and function output the following: SIFT: "Deleterious"; PolyPhen-2: "Benign"; Align-GVGD: "Class C65". The serine amino acid residue is found in multiple mammalian species, which suggests that this missense change does not adversely affect protein function. This variant has not been reported in the literature in individuals affected with USH2A-related conditions. This variant is not present in population databases (gnomAD no frequency).

Blueprint Genetics
Classification: Uncertain significance. Last evaluated: 2021-06-10. Review status: criteria provided, single submitter. Criteria: ACMG Guidelines, 2015. Collection method: clinical testing. Allele origin: germline.

Literature cited by the submitters: PubMed 37217489 (cited by Myriad Genetics, Inc.).